The following is an entry in ClinVar:

ClinVar aggregate classification (germline): Uncertain significance (1 of 4 stars; one submission).

Conditions:
Werner syndrome (WRN). Identifiers: Orphanet 902, MedGen C0043119, MONDO:0010196, OMIM 277700.

Allele frequency attached by ClinVar (database versions not stated): gnomAD exomes below 0.00001.
gnomAD v4.1: 2 of 1,613,880 alleles (0.00012%); highest among the groups gnomAD compares: East Asian, 0.0045%; no homozygotes.

Submission:

Labcorp Genetics (formerly Invitae), Labcorp
Classification: Uncertain significance for Werner syndrome. Last evaluated: 2025-04-18. Review status: criteria provided, single submitter. Criteria: Invitae Variant Classification Sherloc (09022015). Collection method: clinical testing. Allele origin: germline.
Comment: This sequence change replaces aspartic acid, which is acidic and polar, with glutamic acid, which is acidic and polar, at codon 380 of the WRN protein (p.Asp380Glu). This variant is present in population databases (no rsID available, gnomAD 0.006%). This variant has not been reported in the literature in individuals affected with WRN-related conditions. ClinVar contains an entry for this variant (Variation ID: 859676). An algorithm developed to predict the effect of missense changes on protein structure and function outputs the following: PolyPhen-2: "Benign". The glutamic acid amino acid residue is found in multiple mammalian species, which suggests that this missense change does not adversely affect protein function. In summary, the available evidence is currently insufficient to determine the role of this variant in disease. Therefore, it has been classified as a Variant of Uncertain Significance.

NM_000553.6(WRN):c.1140C>G (p.Asp380Glu)

Gene: WRN (WRN RecQ like helicase; plus strand). Cytogenetic location: 8p12.
Variant type: single nucleotide variant.
Coding change: c.1140C>G on transcript NM_000553.6 (MANE Select); coding-DNA position 1140, C replaced by G.
Protein change: p.Asp380Glu; replaces aspartic acid 380 with glutamic acid.
Molecular consequence: missense variant.
Genome position (GRCh38, 1-based): chr8:31,081,167, C>G. VCF-style: chr8-31081167-C-G. GRCh37 (hg19) VCF-style: chr8-30938683-C-G.
Other names: short protein forms D380E.
Identifiers: ClinVar variation 859676 (VCV000859676.3), dbSNP rs1417624681, ClinGen allele CA370920924.
Genomic context (GRCh38, chr8:31,081,167, plus strand): 5'-AGATGTACTTGGAAATAAAGTGGAACGAAAAGAAGATGGATTTGAAGATGGAGTAGAAGA[C>G]AACAAATTGAAAGAGAATATGGAAAGAGCTTGTTTGATGTCGTTAGATATTACAGAACAT-3'
Protein context (NP_000544.2, residues 370-390): KEDGFEDGVE[Asp380Glu]NKLKENMERA